The following is an entry in ClinVar:

ClinVar aggregate classification (germline): Benign (1 of 4 stars; one submission).

Allele frequency attached by ClinVar (database versions not stated): gnomAD exomes 0.01363; gnomAD 0.02282.
gnomAD v4.1: 10,693 of 748,400 alleles (1.4%); highest among the groups gnomAD compares: Admixed American, 4.5%; 1,142 homozygotes.

Submission:

Unidad de Genómica Garrahan, Hospital de Pediatría Garrahan
Classification: Benign. Last evaluated: 2023-11-12. Review status: criteria provided, single submitter. Criteria: ACMG Guidelines, 2015. Collection method: clinical testing. Allele origin: germline. Affected: no. Observed: 24 variant alleles.
Comment: This variant is classified as Benign based on local population frequency. This variant was detected in 25% of patients studied by a panel of primary immunodeficiencies. Number of patients: 24. Only high quality variants are reported.

NM_001243133.2(NLRP3):c.2322-91C>T

Gene: NLRP3 (NLR family pyrin domain containing 3; plus strand). Cytogenetic location: 1q44.
Variant type: single nucleotide variant.
Coding change: c.2322-91C>T on transcript NM_001243133.2 (MANE Select); 91 bases into the intron before coding-DNA position 2322, C replaced by T.
Molecular consequence: intron variant.
Genome position (GRCh38, 1-based): chr1:247,434,012, C>T. VCF-style: chr1-247434012-C-T. GRCh37 (hg19) VCF-style: chr1-247597314-C-T.
Other names: c.2328-91C>T (NM_004895.5); c.2322-91C>T (NM_001127461.3, NM_001079821.3); c.2151-91C>T (NM_001127462.3, NM_183395.3).
Identifiers: ClinVar variation 2628260 (VCV002628260.2), dbSNP rs55687367, ClinGen allele CA40703601.